The following is an entry in ClinVar:

NM_025114.4(CEP290):c.2813T>C (p.Phe938Ser)

Gene: CEP290 (centrosomal protein 290; minus strand). Cytogenetic location: 12q21.32.
Variant type: single nucleotide variant.
Coding change: c.2813T>C on transcript NM_025114.4 (MANE Select); coding-DNA position 2813, T replaced by C.
Protein change: p.Phe938Ser; replaces phenylalanine 938 with serine.
Molecular consequence: missense variant.
Genome position (GRCh38, 1-based): chr12:88,106,679, A>G on the plus strand (T>C on the coding strand, the complement: CEP290 is on the minus strand). VCF-style: chr12-88106679-A-G. GRCh37 (hg19) VCF-style: chr12-88500456-A-G.
Other names: short protein forms F938S.
Identifiers: ClinVar variation 2005184 (VCV002005184.1), dbSNP rs2038302717, ClinGen allele CA385970754.
Genomic context (GRCh38, chr12:88,106,679, plus strand): 5'-TCTGCATATTTGAAATTTTTCATAGTCAGAAAAAGCAAAATAAGAATCAGATGTACCTTA[A>G]ATCTTTGCAAACACCCAATTTTTTCACAAACTTCAGCCTCCATTGACAACAATTCATTCT-3'
Protein context (NP_079390.3, residues 928-948): VCEKIGCLQR[Phe938Ser]KEMAIFKIAA

ClinVar aggregate classification (germline): Uncertain significance (1 of 4 stars; one submission).

Conditions:
Joubert syndrome. Also called: CEREBELLOPARENCHYMAL DISORDER IV; JOUBERT-BOLTSHAUSER SYNDROME; Familial aplasia of the vermis. Identifiers: Orphanet 475, MedGen C5979921, MONDO:0018772.
Meckel-Gruber syndrome. Also called: DYSENCEPHALIA SPLANCHNOCYSTICA; GRUBER SYNDROME; Dysencephalia splachnocystica. Identifiers: Orphanet 564, MedGen C0265215, MONDO:0018921.
Nephronophthisis. Also called: Juvenile Nephronophthisis. Identifiers: Orphanet 655, MedGen C0687120, MONDO:0019005, HP:0000090.

Allele frequency attached by ClinVar (database versions not stated): TOPMed below 0.00001.

Submission:

Labcorp Genetics (formerly Invitae), Labcorp
Classification: Uncertain significance for Joubert syndrome; Meckel-Gruber syndrome; Nephronophthisis. Last evaluated: 2022-06-12. Review status: criteria provided, single submitter. Criteria: Invitae Variant Classification Sherloc (09022015). Collection method: clinical testing. Allele origin: germline.
Comment: This sequence change replaces phenylalanine, which is neutral and non-polar, with serine, which is neutral and polar, at codon 938 of the CEP290 protein (p.Phe938Ser). This variant is not present in population databases (gnomAD no frequency). This variant has not been reported in the literature in individuals affected with CEP290-related conditions. Algorithms developed to predict the effect of missense changes on protein structure and function are either unavailable or do not agree on the potential impact of this missense change (SIFT: "Deleterious"; PolyPhen-2: "Possibly Damaging"; Align-GVGD: "Class C0"). In summary, the available evidence is currently insufficient to determine the role of this variant in disease. Therefore, it has been classified as a Variant of Uncertain Significance.